The following is an entry in ClinVar:

NM_001005273.3(CHD3):c.4827G>T (p.Arg1609=)

Gene: CHD3 (chromodomain helicase DNA binding protein 3; plus strand). Cytogenetic location: 17p13.1.
Variant type: single nucleotide variant.
Coding change: c.4827G>T on transcript NM_001005273.3 (MANE Select); coding-DNA position 4827, G replaced by T.
Protein change: p.Arg1609=; no amino-acid change (arginine 1609 retained).
Molecular consequence: synonymous variant.
Genome position (GRCh38, 1-based): chr17:7,907,391, G>T. VCF-style: chr17-7907391-G-T. GRCh37 (hg19) VCF-style: chr17-7810709-G-T.
Other names: c.5004G>T, p.Arg1668= (NM_001005271.3); c.4827G>T, p.Arg1609= (NM_005852.4).
Identifiers: ClinVar variation 1694827 (VCV001694827.31), dbSNP rs2151645210, ClinGen allele CA497951396.
Genomic context (GRCh38, chr17:7,907,391, plus strand): 5'-TGACCCCATTGTCCTCTTCCAGGCTGATGCCCCCAGCCCAGCCCCATCACTTGGGGAGCG[G>T]CTGGAGCCAAGGAAGATTCCTCTAGAGGATGAGGTGCCAGGGGTGCCTGGAGAGATGGAG-3'
Protein context (NP_001005273.1, residues 1599-1619): APSPAPSLGE[Arg1609=]LEPRKIPLED

ClinVar aggregate classification (germline): Likely benign (1 of 4 stars; one submission).

Submission:

CeGaT Center for Human Genetics Tuebingen
Classification: Likely benign. Last evaluated: 2022-05-01. Review status: criteria provided, single submitter. Criteria: CeGaT Center For Human Genetics Tuebingen Variant Classification Criteria Version 2. Collection method: clinical testing. Allele origin: germline. Affected: yes. Observed: 1 variant allele.
Comment: CHD3: PM2:Supporting, BP4, BP7